The following is an entry in ClinVar:

ClinVar aggregate classification (germline): Likely benign. Review status: criteria provided, multiple submitters, no conflicts (2 of 4 stars). 2 submissions from 2 submitters: Likely benign (2). Last evaluated 2026-06-22.

Conditions:
CREBBP-related disorder. Also called: CREBBP-related condition; CREBBP-related disorders.
Inborn genetic diseases. Identifiers: MedGen C0950123, MeSH D030342.

Allele frequency attached by ClinVar (database versions not stated): gnomAD exomes below 0.00001.
gnomAD v4.1: 2 of 1,596,222 alleles (0.00013%); highest among the groups gnomAD compares: Non-Finnish European, 0.000085%; no homozygotes.

Submissions (2):

PreventionGenetics, part of Exact Sciences
Classification: Likely benign for CREBBP-related condition. Last evaluated: 2026-06-22. Review status: criteria provided, single submitter. Criteria: ACMG Guidelines, 2015. Collection method: clinical testing. Allele origin: germline.
Comment: This variant is classified as likely benign based on ACMG/AMP sequence variant interpretation guidelines (Richards et al. 2015 PMID: 25741868, with internal and published modifications).

Ambry Genetics
Classification: Likely benign for Inborn genetic diseases. Last evaluated: 2019-09-24. Review status: criteria provided, single submitter. Criteria: Ambry Variant Classification Scheme 2023. Collection method: clinical testing. Allele origin: germline.

NM_004380.3(CREBBP):c.4917T>C (p.Ala1639=)

Gene: CREBBP (CREB binding lysine acetyltransferase; minus strand). Cytogenetic location: 16p13.3.
Variant type: single nucleotide variant.
Coding change: c.4917T>C on transcript NM_004380.3 (MANE Select); coding-DNA position 4917, T replaced by C.
Protein change: p.Ala1639=; no amino-acid change (alanine 1639 retained).
Molecular consequence: synonymous variant.
Genome position (GRCh38, 1-based): chr16:3,731,447, A>G on the plus strand (T>C on the coding strand, the complement: CREBBP is on the minus strand). VCF-style: chr16-3731447-A-G. GRCh37 (hg19) VCF-style: chr16-3781448-A-G.
Other names: c.4803T>C, p.Ala1601= (NM_001079846.1).
Identifiers: ClinVar variation 1744086 (VCV001744086.3), dbSNP rs2151317527, ClinGen allele CA493394659.
Genomic context (GRCh38, chr16:3,731,447, plus strand): 5'-GTCACAGCTGAGCAGGGGGTCGGGGTCGACGATGGGGGGCAGGGTGTTGATGACAGGCCC[A>G]GCGTGCAGGTGGATCACGAAGAAGACCTGCAGGAGAGGAGGGGCTTTAGTCCCACACAAG-3'
Protein context (NP_004371.2, residues 1629-1649): KEVFFVIHLH[Ala1639=]GPVINTLPPI